The following is an entry in ClinVar:

ClinVar aggregate classification (germline): Pathogenic/Likely pathogenic. Review status: criteria provided, multiple submitters, no conflicts (2 of 4 stars). 2 submissions from 2 submitters: Pathogenic (1); Likely pathogenic (1). Last evaluated 2024-04-16.

Conditions:
Breast-ovarian cancer, familial, susceptibility to, 4. Identifiers: Orphanet 145, MedGen C3280345, MONDO:0013669, OMIM 614291.

Submissions (2):

Labcorp Genetics (formerly Invitae), Labcorp
Classification: Pathogenic for Breast-ovarian cancer, familial, susceptibility to, 4. Last evaluated: 2024-04-16. Review status: criteria provided, single submitter. Criteria: Invitae Variant Classification Sherloc (09022015). Collection method: clinical testing. Allele origin: germline.
Comment: This sequence change creates a premature translational stop signal (p.Val204Leufs*23) in the RAD51D gene. It is expected to result in an absent or disrupted protein product. Loss-of-function variants in RAD51D are known to be pathogenic (PMID: 21822267). This variant is not present in population databases (gnomAD no frequency). This variant has not been reported in the literature in individuals affected with RAD51D-related conditions. For these reasons, this variant has been classified as Pathogenic.

Quest Diagnostics Nichols Institute San Juan Capistrano
Classification: Likely pathogenic. Last evaluated: 2024-04-10. Review status: criteria provided, single submitter. Criteria: Quest Diagnostics criteria. Collection method: clinical testing. Allele origin: unknown.
Comment: The RAD51D c.610del (p.Val204Leufs*23) variant alters the translational reading frame of the RAD51D mRNA and is predicted to cause the premature termination of RAD51D protein synthesis. This variant has not been reported in individuals with RAD51D-related conditions in the published literature. This variant has not been reported in large, multi-ethnic general populations (Genome Aggregation Database). Based on the available information, this variant is classified as likely pathogenic.

Literature cited by the submitters: PubMed 21822267 (cited by Labcorp Genetics (formerly Invitae), Labcorp).

NM_002878.4(RAD51D):c.610del (p.Val204fs)

Genes: RAD51L3-RFFL (RAD51L3-RFFL readthrough; minus strand), RAD51D (RAD51 paralog D; minus strand). Cytogenetic location: 17q12.
Variant type: Deletion.
Coding change: c.610del on transcript NM_002878.4 (MANE Select); coding-DNA position 610, one base deleted (G; older notation c.610delG).
Protein change: p.Val204fs; shifts the reading frame from valine 204.
Molecular consequence: frameshift variant. On other transcripts: non-coding transcript variant (3).
Genome position (GRCh38, 1-based): chr17:35,103,511, C deleted on the plus strand (G on the coding strand, the reverse complement: RAD51D is on the minus strand); the first of 2 consecutive C bases (chr17:35,103,511-35,103,512); deleting either gives the same sequence. VCF-style (leftmost placement, unchanged base first): chr17-35103510-AC-A. GRCh37 (hg19) VCF-style: chr17-33430529-AC-A.
Other names: c.670del, p.Val224fs (NM_001142571.2); c.609delG, p.Val204Leufs (NM_002878.3); c.274del, p.Val92fs (NM_133629.3); c.610del (NM_002878.3); short protein forms V92fs, V224fs, V204fs.
Identifiers: ClinVar variation 2697559 (VCV002697559.4), dbSNP rs2509130428, ClinGen allele CA2697559825.